The following is an entry in ClinVar:

NM_001292034.3(TAB2):c.1264A>G (p.Met422Val)

Genes: TAB2 (TGF-beta activated kinase 1 (MAP3K7) binding protein 2; plus strand), LOC126859827 (BRD4-independent group 4 enhancer GRCh37_chr6:149699707-149700906; plus strand). Cytogenetic location: 6q25.1.
Variant type: single nucleotide variant.
Coding change: c.1264A>G on transcript NM_001292034.3 (MANE Select); coding-DNA position 1264, A replaced by G.
Protein change: p.Met422Val; replaces methionine 422 with valine.
Molecular consequence: missense variant.
Genome position (GRCh38, 1-based): chr6:149,379,179, A>G. VCF-style: chr6-149379179-A-G. GRCh37 (hg19) VCF-style: chr6-149700315-A-G.
Other names: c.1168A>G, p.Met390Val (NM_001292035.3); c.1264A>G, p.Met422Val (NM_001369506.1, NM_015093.6); short protein forms M390V, M422V.
Identifiers: ClinVar variation 3390679 (VCV003390679.1).

ClinVar aggregate classification (germline): Uncertain significance (1 of 4 stars; one submission).

gnomAD v4.1: 4 of 1,614,206 alleles (0.00025%); highest among the groups gnomAD compares: Admixed American, 0.0033%; no homozygotes.

Submission:

GeneDx
Classification: Uncertain significance. Last evaluated: 2024-06-10. Review status: criteria provided, single submitter. Criteria: GeneDx Variant Classification Process June 2021. Collection method: clinical testing. Allele origin: germline. Affected: yes.
Comment: Not observed at significant frequency in large population cohorts (gnomAD); In silico analysis indicates that this missense variant does not alter protein structure/function; Has not been previously published as pathogenic or benign to our knowledge